The following is an entry in ClinVar:

ClinVar aggregate classification (germline): Uncertain significance (1 of 4 stars; one submission).

Submission:

GeneDx
Classification: Uncertain significance. Last evaluated: 2024-01-31. Review status: criteria provided, single submitter. Criteria: GeneDx Variant Classification Process June 2021. Collection method: clinical testing. Allele origin: germline. Affected: yes.
Comment: Not observed at significant frequency in large population cohorts (gnomAD); In silico analysis suggests this variant may impact gene splicing. In the absence of RNA/functional studies, the actual effect of this sequence change is unknown.; Has not been previously published as pathogenic or benign to our knowledge

NM_017617.5(NOTCH1):c.4014+5G>C

Gene: NOTCH1 (notch receptor 1; minus strand). Cytogenetic location: 9q34.3.
Variant type: single nucleotide variant.
Coding change: c.4014+5G>C on transcript NM_017617.5 (MANE Select); 5 bases into the intron after coding-DNA position 4014, G replaced by C.
Molecular consequence: intron variant.
Genome position (GRCh38, 1-based): chr9:136,506,522, C>G on the plus strand (G>C on the coding strand, the complement: NOTCH1 is on the minus strand). VCF-style: chr9-136506522-C-G. GRCh37 (hg19) VCF-style: chr9-139400974-C-G.
Identifiers: ClinVar variation 3368497 (VCV003368497.1).
Genomic context (GRCh38, chr9:136,506,522, plus strand): 5'-CCCACGTGGACCTCTCCAGGTGTCTCCCCTGGCGGGCCCCTGCCTCCCTGCACCCCTGCA[C>G]CTACCGCAGGGCACTTGCAGATGAACCCGCGGGCGGTGTTGGAGGCCACGGCGCAGGTGC-3'